The following is an entry in ClinVar:

NM_006648.4(WNK2):c.2153C>T (p.Pro718Leu)

Gene: WNK2 (WNK lysine deficient protein kinase 2; plus strand). Cytogenetic location: 9q22.31.
Variant type: single nucleotide variant.
Coding change: c.2153C>T on transcript NM_006648.4 (MANE Select); coding-DNA position 2153, C replaced by T.
Protein change: p.Pro718Leu; replaces proline 718 with leucine.
Molecular consequence: missense variant.
Genome position (GRCh38, 1-based): chr9:93,256,417, C>T. VCF-style: chr9-93256417-C-T. GRCh37 (hg19) VCF-style: chr9-96018699-C-T.
Other names: c.2153C>T, p.Pro718Leu (NM_001282394.3); short protein forms P718L.
Identifiers: ClinVar variation 3981982 (VCV003981982.1).

ClinVar aggregate classification (germline): Uncertain significance (1 of 4 stars; one submission).

Submission:

Ambry Genetics
Classification: Uncertain significance. Last evaluated: 2025-05-03. Review status: criteria provided, single submitter. Criteria: Ambry Variant Classification Scheme 2023. Collection method: clinical testing. Allele origin: germline.
Comment: The p.P718L variant (also known as c.2153C>T), located in coding exon 9 of the WNK2 gene, results from a C to T substitution at nucleotide position 2153. The proline at codon 718 is replaced by leucine, an amino acid with similar properties. This amino acid position is conserved. In addition, this alteration is predicted to be tolerated by in silico analysis. Based on the available evidence, the clinical significance of this variant remains unclear.